The following is an entry in ClinVar:

NM_000455.5(STK11):c.1109-11C>T

Gene: STK11 (serine/threonine kinase 11; plus strand). Cytogenetic location: 19p13.3.
Variant type: single nucleotide variant.
Coding change: c.1109-11C>T on transcript NM_000455.5 (MANE Select); 11 bases into the intron before coding-DNA position 1109, C replaced by T.
Molecular consequence: intron variant.
Genome position (GRCh38, 1-based): chr19:1,226,443, C>T. VCF-style: chr19-1226443-C-T. GRCh37 (hg19) VCF-style: chr19-1226442-C-T.
Identifiers: ClinVar variation 2114082 (VCV002114082.6), dbSNP rs2080821363, ClinGen allele CA992493832.
Genomic context (GRCh38, chr19:1,226,443, plus strand): 5'-GGCCAGCCAGGTCCCTGTGGCTCTGGGGTTGCGCCCCTCAGCTCAGGCCACACTTGCCGT[C>T]TCCCTCCCAGGACAGGTCCCAGAAGAGGAGGCCAGTCACAATGGACAGCGCCGGGGCCTC-3'

ClinVar aggregate classification (germline): Likely benign. Review status: criteria provided, multiple submitters, no conflicts (2 of 4 stars). 3 submissions from 3 submitters: Likely benign (3). Last evaluated 2025-03-28.

Conditions:
Peutz-Jeghers syndrome (PJS). Also called: POLYPOSIS, HAMARTOMATOUS INTESTINAL; POLYPS-AND-SPOTS SYNDROME; Peutz-Jeghers polyposis; Periorificial lentiginosis syndrome. Identifiers: Orphanet 2869, MedGen C0031269, MeSH D010580, MONDO:0008280, OMIM 175200.

Allele frequency attached by ClinVar (database versions not stated): gnomAD 0.00001.
gnomAD v4.1: 1 of 1,608,822 alleles (0.000062%); highest among the groups gnomAD compares: Admixed American, 0.0017%; no homozygotes.

Submissions (3):

Myriad Genetics, Inc.
Classification: Likely benign for Peutz-Jeghers syndrome. Last evaluated: 2025-03-28. Review status: criteria provided, single submitter. Criteria: Myriad Autosomal Dominant, Autosomal Recessive and X-Linked Classification Criteria (2023). Collection method: clinical testing. Allele origin: unknown.
Comment: This variant is considered likely benign. This variant is intronic and is not expected to impact mRNA splicing.

Blueprint Genetics
Classification: Likely benign. Last evaluated: 2023-02-03. Review status: criteria provided, single submitter. Criteria: ACMG Guidelines, 2015. Collection method: clinical testing. Allele origin: germline.

Labcorp Genetics (formerly Invitae), Labcorp
Classification: Likely benign for Peutz-Jeghers syndrome. Last evaluated: 2022-03-19. Review status: criteria provided, single submitter. Criteria: Invitae Variant Classification Sherloc (09022015). Collection method: clinical testing. Allele origin: germline.